The following is an entry in ClinVar:

ClinVar aggregate classification (germline): Uncertain significance (1 of 4 stars; one submission).

gnomAD v4.1: 1 of 1,614,150 alleles (0.000062%); highest among the groups gnomAD compares: Non-Finnish European, 0.000085%; no homozygotes.

Submission:

GeneDx
Classification: Uncertain significance. Last evaluated: 2025-05-09. Review status: criteria provided, single submitter. Criteria: GeneDx Variant Classification Process June 2021. Collection method: clinical testing. Allele origin: germline. Affected: yes.
Comment: Not observed at significant frequency in large population cohorts (gnomAD); In silico analysis supports that this missense variant has a deleterious effect on protein structure/function; Has not been previously published as pathogenic or benign to our knowledge

NM_001961.4(EEF2):c.873G>C (p.Gln291His)

Gene: EEF2 (eukaryotic translation elongation factor 2; minus strand). Cytogenetic location: 19p13.3.
Variant type: single nucleotide variant.
Coding change: c.873G>C on transcript NM_001961.4 (MANE Select); coding-DNA position 873, G replaced by C.
Protein change: p.Gln291His; replaces glutamine 291 with histidine.
Molecular consequence: missense variant.
Genome position (GRCh38, 1-based): chr19:3,981,971, C>G on the plus strand (G>C on the coding strand, the complement: EEF2 is on the minus strand). VCF-style: chr19-3981971-C-G. GRCh37 (hg19) VCF-style: chr19-3981969-C-G.
Other names: short protein forms Q291H.
Identifiers: ClinVar variation 4528153 (VCV004528153.1).